The following is an entry in ClinVar:

ClinVar aggregate classification (germline): Uncertain significance (1 of 4 stars; one submission).

Allele frequency attached by ClinVar (database versions not stated): gnomAD exomes below 0.00001; TOPMed 0.00002.

Submission:

Labcorp Genetics (formerly Invitae), Labcorp
Classification: Uncertain significance. Last evaluated: 2021-12-02. Review status: criteria provided, single submitter. Criteria: Invitae Variant Classification Sherloc (09022015). Collection method: clinical testing. Allele origin: germline.
Comment: This sequence change replaces methionine, which is neutral and non-polar, with valine, which is neutral and non-polar, at codon 136 of the ABCA4 protein (p.Met136Val). This variant is present in population databases (no rsID available, gnomAD 0.003%). This variant has not been reported in the literature in individuals affected with ABCA4-related conditions. Advanced modeling of protein sequence and biophysical properties (such as structural, functional, and spatial information, amino acid conservation, physicochemical variation, residue mobility, and thermodynamic stability) performed at Invitae indicates that this missense variant is not expected to disrupt ABCA4 protein function. In summary, the available evidence is currently insufficient to determine the role of this variant in disease. Therefore, it has been classified as a Variant of Uncertain Significance.

NM_000350.3(ABCA4):c.406A>G (p.Met136Val)

Gene: ABCA4 (ATP binding cassette subfamily A member 4; minus strand). Cytogenetic location: 1p22.1.
Variant type: single nucleotide variant.
Coding change: c.406A>G on transcript NM_000350.3 (MANE Select); coding-DNA position 406, A replaced by G.
Protein change: p.Met136Val; replaces methionine 136 with valine.
Molecular consequence: missense variant.
Genome position (GRCh38, 1-based): chr1:94,108,613, T>C on the plus strand (A>G on the coding strand, the complement: ABCA4 is on the minus strand). VCF-style: chr1-94108613-T-C. GRCh37 (hg19) VCF-style: chr1-94574169-T-C.
Other names: c.406A>G, p.Met136Val (NM_001425324.1); short protein forms M136V.
Identifiers: ClinVar variation 1413292 (VCV001413292.5), dbSNP rs1372134179, ClinGen allele CA341293025.